The following is an entry in ClinVar:

ClinVar aggregate classification (germline): Uncertain significance. Review status: criteria provided, single submitter (1 of 4 stars). 2 submissions from 2 submitters: Uncertain significance (1). 1 of the submissions does not count toward it. Last evaluated 2025-12-15.

Conditions:
Walker-Warburg congenital muscular dystrophy. Also called: Muscular dystrophy-dystroglycanopathy, type A; Walker-Warburg syndrome. Identifiers: Orphanet 899, MedGen C0265221, MONDO:0000171.
Autosomal recessive limb-girdle muscular dystrophy type 2I. Also called: MUSCULAR DYSTROPHY-DYSTROGLYCANOPATHY (LIMB-GIRDLE), TYPE C, 5; MUSCULAR DYSTROPHY, LIMB-GIRDLE, TYPE 2I; MUSCULAR DYSTROPHY-DYSTROGLYCANOPATHY, LIMB-GIRDLE, FRKP-RELATED. Identifiers: Orphanet 34515, MedGen C1846672, MONDO:0011787, OMIM 607155.

Allele frequency attached by ClinVar (database versions not stated): gnomAD exomes below 0.00001 and 0.00001; gnomAD 0.00001; TOPMed 0.00004.

Submissions (2):

Labcorp Genetics (formerly Invitae), Labcorp
Classification: Uncertain significance for Walker-Warburg congenital muscular dystrophy. Last evaluated: 2025-12-15. Review status: criteria provided, single submitter. Criteria: Invitae Variant Classification Sherloc (09022015). Collection method: clinical testing. Allele origin: germline.
Comment: This sequence change replaces arginine, which is basic and polar, with cysteine, which is neutral and slightly polar, at codon 100 of the FKRP protein (p.Arg100Cys). The frequency data for this variant in the population databases is considered unreliable, as metrics indicate poor data quality at this position in the gnomAD database. This variant has not been reported in the literature in individuals affected with FKRP-related conditions. ClinVar contains an entry for this variant (Variation ID: 567259). Invitae Evidence Modeling of protein sequence and biophysical properties (such as structural, functional, and spatial information, amino acid conservation, physicochemical variation, residue mobility, and thermodynamic stability) has been performed for this missense variant. However, the output from this modeling did not meet the statistical confidence thresholds required to predict the impact of this variant on FKRP protein function. In summary, the available evidence is currently insufficient to determine the role of this variant in disease. Therefore, it has been classified as a Variant of Uncertain Significance.

Natera, Inc.
Classification: Uncertain significance for Limb-girdle muscular dystrophy type 2I. Last evaluated: 2020-09-16. Review status: no assertion criteria provided. Collection method: clinical testing. Allele origin: germline. Not counted in ClinVar's aggregate classification.

NM_024301.5(FKRP):c.298C>T (p.Arg100Cys)

Gene: FKRP (fukutin related protein; plus strand). Cytogenetic location: 19q13.32.
Variant type: single nucleotide variant.
Coding change: c.298C>T on transcript NM_024301.5 (MANE Select); coding-DNA position 298, C replaced by T.
Protein change: p.Arg100Cys; replaces arginine 100 with cysteine.
Molecular consequence: missense variant.
Genome position (GRCh38, 1-based): chr19:46,755,748, C>T. VCF-style: chr19-46755748-C-T. GRCh37 (hg19) VCF-style: chr19-47259005-C-T.
Other names: c.298C>T, p.Arg100Cys (NM_001039885.3); short protein forms R100C.
Identifiers: ClinVar variation 567259 (VCV000567259.7), dbSNP rs1244445645, ClinGen allele CA406495057.
Genomic context (GRCh38, chr19:46,755,748, plus strand): 5'-GTGGTGGCAGCCGACACGCTCCCCTACCCGCCCCTGGCCCTGCCCCGCATCCCCAACGTG[C>T]GTCTGGCGCTGCTCCAGCCCGCCCTGGACCGGCCAGCCGCAGCCTCGCGCCCGGAGACCT-3'
Protein context (NP_077277.1, residues 90-110): PLALPRIPNV[Arg100Cys]LALLQPALDR